The following is an entry in ClinVar:

ClinVar aggregate classification (germline): Uncertain significance (1 of 4 stars; one submission).

Conditions:
Thrombocytopenia 3. Also called: THROMBOCYTOPENIA, AUTOSOMAL RECESSIVE, 3; THC3. Identifiers: Orphanet 268322, MedGen C2678311, MONDO:0010120, OMIM 273900.

Allele frequency attached by ClinVar (database versions not stated): TOPMed below 0.00001; gnomAD 0.00001.
gnomAD v4.1: 1 of 1,593,504 alleles (0.000063%); highest among the groups gnomAD compares: African/African-American, 0.0013%; no homozygotes.

Submission:

Baylor Genetics
Classification: Uncertain significance for Thrombocytopenia 3. Last evaluated: 2018-04-09. Review status: criteria provided, single submitter. Criteria: ACMG Guidelines, 2015. Collection method: clinical testing. Allele origin: maternal. Affected: yes.
Comment: This variant was determined to be of uncertain significance according to ACMG Guidelines, 2015 [PMID:25741868].

NM_001465.6(FYB1):c.2434A>C (p.Asn812His)

Gene: FYB1 (FYN binding protein 1; minus strand). Cytogenetic location: 5p13.1.
Variant type: single nucleotide variant.
Coding change: c.2434A>C on transcript NM_001465.6 (MANE Select); coding-DNA position 2434, A replaced by C.
Protein change: p.Asn812His; replaces asparagine 812 with histidine.
Molecular consequence: missense variant.
Genome position (GRCh38, 1-based): chr5:39,110,357, T>G on the plus strand (A>C on the coding strand, the complement: FYB1 is on the minus strand). VCF-style: chr5-39110357-T-G. GRCh37 (hg19) VCF-style: chr5-39110459-T-G.
Other names: c.2464A>C, p.Asn822His (NM_001243093.2); c.2434A>C, p.Asn812His (NM_001349333.2); c.2326A>C, p.Asn776His (NM_018594.2); c.2296A>C, p.Asn766His (NM_199335.5); short protein forms N812H, N766H, N776H, N822H.
Identifiers: ClinVar variation 1031985 (VCV001031985.1), dbSNP rs1047993806, ClinGen allele CA117171557.
Genomic context (GRCh38, chr5:39,110,357, plus strand): 5'-TAAAAAGAAAGGCACAAAATTCTTTTCACAAGCATAGTAGTAGAAGAAAATGGGCTTACT[T>G]GTCCGCTAGGTAACTCCGAAGGACATAACCATCTACGAAGGAAAAAGGAAATAAATTGTA-3'
Protein context (NP_001456.3, residues 802-822): GYVLRSYLAD[Asn812His]DGEIYDDIAD